The following is an entry in ClinVar:

ClinVar aggregate classification (germline): Uncertain significance. Review status: criteria provided, multiple submitters, no conflicts (2 of 4 stars). 3 submissions from 3 submitters: Uncertain significance (3). Last evaluated 2024-10-29.

Conditions:
ERBIN-related disorder. Also called: ERBIN-related condition.

Allele frequency attached by ClinVar (database versions not stated): gnomAD 0.00002.
gnomAD v4.1: 50 of 1,608,174 alleles (0.0031%); highest among the groups gnomAD compares: South Asian, 0.045%; no homozygotes.

Submissions (3):

PreventionGenetics, part of Exact Sciences
Classification: Uncertain significance for ERBIN-related condition. Last evaluated: 2024-10-29. Review status: criteria provided, single submitter. Criteria: ACMG Guidelines, 2015. Collection method: clinical testing. Allele origin: germline.
Comment: The ERBIN c.1562A>G variant is predicted to result in the amino acid substitution p.His521Arg. To our knowledge, this variant has not been reported in the literature. This variant is reported in 0.038% of alleles in individuals of South Asian descent in gnomAD. At this time, the clinical significance of this variant is uncertain due to the absence of conclusive functional and genetic evidence.

Labcorp Genetics (formerly Invitae), Labcorp
Classification: Uncertain significance. Last evaluated: 2023-08-14. Review status: criteria provided, single submitter. Criteria: Invitae Variant Classification Sherloc (09022015). Collection method: clinical testing. Allele origin: germline.
Comment: This variant is present in population databases (rs769111808, gnomAD 0.04%). This sequence change replaces histidine, which is basic and polar, with arginine, which is basic and polar, at codon 521 of the ERBIN protein (p.His521Arg). This variant has not been reported in the literature in individuals affected with ERBIN-related conditions. ClinVar contains an entry for this variant (Variation ID: 2346773). An algorithm developed to predict the effect of missense changes on protein structure and function (PolyPhen-2) suggests that this variant is likely to be tolerated. In summary, the available evidence is currently insufficient to determine the role of this variant in disease. Therefore, it has been classified as a Variant of Uncertain Significance.

Ambry Genetics
Classification: Uncertain significance. Last evaluated: 2021-08-12. Review status: criteria provided, single submitter. Criteria: Ambry Variant Classification Scheme 2023. Collection method: clinical testing. Allele origin: germline.

NM_001253697.2(ERBIN):c.1562A>G (p.His521Arg)

Gene: ERBIN (erbb2 interacting protein; plus strand). Cytogenetic location: 5q12.3.
Variant type: single nucleotide variant.
Coding change: c.1562A>G on transcript NM_001253697.2 (MANE Select); coding-DNA position 1562, A replaced by G.
Protein change: p.His521Arg; replaces histidine 521 with arginine.
Molecular consequence: missense variant.
Genome position (GRCh38, 1-based): chr5:66,044,270, A>G. VCF-style: chr5-66044270-A-G. GRCh37 (hg19) VCF-style: chr5-65340098-A-G.
Other names: c.1562A>G, p.His521Arg (NM_001006600.3, NM_001253698.2, NM_001253699.2 and 2 more transcripts); c.1562A>G (NM_001006600.2); short protein forms H521R.
Identifiers: ClinVar variation 2346773 (VCV002346773.6), dbSNP rs769111808, ClinGen allele CA3286280.